The following is an entry in ClinVar:

NM_006567.5(FARS2):c.528T>A (p.Asp176Glu)

Genes: FARS2 (phenylalanyl-tRNA synthetase 2, mitochondrial; plus strand), LOC126859565 (CDK7 strongly-dependent group 2 enhancer GRCh37_chr6:5368745-5369944; plus strand). Cytogenetic location: 6p25.1.
Variant type: single nucleotide variant.
Coding change: c.528T>A on transcript NM_006567.5 (MANE Select); coding-DNA position 528, T replaced by A.
Protein change: p.Asp176Glu; replaces aspartic acid 176 with glutamic acid.
Molecular consequence: missense variant. On other transcripts: intron variant (2).
Genome position (GRCh38, 1-based): chr6:5,369,098, T>A. VCF-style: chr6-5369098-T-A. GRCh37 (hg19) VCF-style: chr6-5369331-T-A.
Other names: c.528T>A, p.Asp176Glu (NM_001318872.2, NM_001374875.1, NM_001374876.1 and 5 more transcripts); c.-340-27535T>A (NM_001375260.1); c.-84-35444T>A (NM_001375259.1); short protein forms D176E.
Identifiers: ClinVar variation 3697435 (VCV003697435.2).

ClinVar aggregate classification (germline): Uncertain significance (1 of 4 stars; one submission).

Conditions:
Combined oxidative phosphorylation defect type 14. Also called: Combined oxidative phosphorylation deficiency 14. Identifiers: Orphanet 319519, MedGen C4755312, MONDO:0013986, OMIM 614946.

gnomAD v4.1: 1 of 1,613,836 alleles (0.000062%); highest among the groups gnomAD compares: Non-Finnish European, 0.000085%; no homozygotes.

Submission:

Labcorp Genetics (formerly Invitae), Labcorp
Classification: Uncertain significance for Combined oxidative phosphorylation defect type 14. Last evaluated: 2024-09-06. Review status: criteria provided, single submitter. Criteria: Invitae Variant Classification Sherloc (09022015). Collection method: clinical testing. Allele origin: germline.
Comment: This sequence change replaces aspartic acid, which is acidic and polar, with glutamic acid, which is acidic and polar, at codon 176 of the FARS2 protein (p.Asp176Glu). This variant is not present in population databases (gnomAD no frequency). This variant has not been reported in the literature in individuals affected with FARS2-related conditions. Invitae Evidence Modeling of protein sequence and biophysical properties (such as structural, functional, and spatial information, amino acid conservation, physicochemical variation, residue mobility, and thermodynamic stability) indicates that this missense variant is expected to disrupt FARS2 protein function with a positive predictive value of 80%. In summary, the available evidence is currently insufficient to determine the role of this variant in disease. Therefore, it has been classified as a Variant of Uncertain Significance.